The following is an entry in ClinVar:

NM_000038.6(APC):c.8385A>G (p.Ala2795=)

Gene: APC (APC regulator of Wnt signaling pathway; plus strand). Cytogenetic location: 5q22.2.
Variant type: single nucleotide variant.
Coding change: c.8385A>G on transcript NM_000038.6 (MANE Select); coding-DNA position 8385, A replaced by G.
Protein change: p.Ala2795=; no amino-acid change (alanine 2795 retained).
Molecular consequence: synonymous variant.
Genome position (GRCh38, 1-based): chr5:112,843,979, A>G. VCF-style: chr5-112843979-A-G. GRCh37 (hg19) VCF-style: chr5-112179676-A-G.
Other names: c.8385A>G, p.Ala2795= (NM_001127510.3, NM_001354895.2); c.8331A>G, p.Ala2777= (NM_001127511.3); c.8439A>G, p.Ala2813= (NM_001354896.2); c.8415A>G, p.Ala2805= (NM_001354897.2); c.8310A>G, p.Ala2770= (NM_001354898.2); c.8301A>G, p.Ala2767= (NM_001354899.2); c.8262A>G, p.Ala2754= (NM_001354900.2); c.8208A>G, p.Ala2736= (NM_001354901.2); and 5 more.
Identifiers: ClinVar variation 927802 (VCV000927802.5), dbSNP rs1766728712, ClinGen allele CA446211326.

ClinVar aggregate classification (germline): Benign/Likely benign. Review status: criteria provided, multiple submitters, no conflicts (2 of 4 stars). 4 submissions from 4 submitters: Benign (1); Likely benign (3). Last evaluated 2025-09-24.

Conditions:
Hereditary cancer-predisposing syndrome. Also called: Neoplastic Syndromes, Hereditary; Hereditary Cancer Syndrome; Tumor predisposition; Hereditary neoplastic syndrome. Identifiers: Orphanet 140162, MedGen C0027672, MeSH D009386, MONDO:0015356.
Familial adenomatous polyposis 1 (FAP1). Also called: FAMILIAL ADENOMATOUS POLYPOSIS 1, ATTENUATED; POLYPOSIS, ADENOMATOUS INTESTINAL. Identifiers: MedGen C2713442, MONDO:0021056, OMIM 175100. Disease mechanism: loss of function.

Submissions (4):

Labcorp Genetics (formerly Invitae), Labcorp
Classification: Likely benign for Familial adenomatous polyposis 1. Last evaluated: 2025-09-24. Review status: criteria provided, single submitter. Criteria: Invitae Variant Classification Sherloc (09022015). Collection method: clinical testing. Allele origin: germline.

Ambry Genetics
Classification: Likely benign for Hereditary cancer-predisposing syndrome. Last evaluated: 2025-05-18. Review status: criteria provided, single submitter. Criteria: Ambry Variant Classification Scheme 2023. Collection method: clinical testing. Allele origin: germline.

Myriad Genetics, Inc.
Classification: Benign for Familial adenomatous polyposis 1. Last evaluated: 2024-04-15. Review status: criteria provided, single submitter. Criteria: Myriad Autosomal Dominant, Autosomal Recessive and X-Linked Classification Criteria (2023). Collection method: clinical testing. Allele origin: unknown.
Comment: This variant is considered benign. This variant is a silent/synonymous amino acid change and it is not expected to impact splicing.

Color Diagnostics, LLC DBA Color Health
Classification: Likely benign for Hereditary cancer-predisposing syndrome. Last evaluated: 2020-01-06. Review status: criteria provided, single submitter. Criteria: ACMG Guidelines, 2015. Collection method: clinical testing. Allele origin: germline.